The following is an entry in ClinVar:

NM_024529.5(CDC73):c.364A>G (p.Thr122Ala)

Gene: CDC73 (cell division cycle 73; plus strand). Cytogenetic location: 1q31.2.
Variant type: single nucleotide variant.
Coding change: c.364A>G on transcript NM_024529.5 (MANE Select); coding-DNA position 364, A replaced by G.
Protein change: p.Thr122Ala; replaces threonine 122 with alanine.
Molecular consequence: missense variant.
Genome position (GRCh38, 1-based): chr1:193,135,447, A>G. VCF-style: chr1-193135447-A-G. GRCh37 (hg19) VCF-style: chr1-193104577-A-G.
Other names: short protein forms T122A.
Identifiers: ClinVar variation 848147 (VCV000848147.13), dbSNP rs763095800, ClinGen allele CA343960511.
Genomic context (GRCh38, chr1:193,135,447, plus strand): 5'-TCAGCAACATCGGCAAGTATAGACAGAAGCGCTCCCTTAGAAATAGGTCTTCAGCGATCT[A>G]CTCAAGGTATGTCTTGTTGCATATTTATATTGAACTTTCAGAAGCCCATTCCAAAACTAC-3'
Protein context (NP_078805.3, residues 112-132): APLEIGLQRS[Thr122Ala]QVKRAADEVL

ClinVar aggregate classification (germline): Uncertain significance. Review status: criteria provided, multiple submitters, no conflicts (2 of 4 stars). 3 submissions from 3 submitters: Uncertain significance (3). Last evaluated 2026-03-27.

Conditions:
Hyperparathyroidism 1 (HRPT1). Also called: HYPERPARATHYROIDISM, FAMILIAL ISOLATED PRIMARY. Identifiers: Orphanet 99879, MedGen C1840402, MONDO:0007767, OMIM 145000.
Parathyroid carcinoma (PRTC). Also called: CDC73-Related Parathyroid Carcinoma; Parathyroid gland carcinoma. Identifiers: Orphanet 143, MedGen C0687150, MONDO:0012004, OMIM 608266, HP:0006780.
Hyperparathyroidism 2 with jaw tumors. Also called: Hyperparathyroidism 2; Hyperparathyroidism-Jaw Tumor Syndrome; HYPERPARATHYROIDISM, FAMILIAL PRIMARY, WITH MULTIPLE OSSIFYING JAW FIBROMAS; HYPERPARATHYROIDISM-JAW TUMOR SYNDROME, HEREDITARY. Identifiers: Orphanet 99880, MedGen C1704981, MONDO:0007768, OMIM 145001.
Hereditary cancer-predisposing syndrome. Also called: Tumor predisposition; Neoplastic Syndromes, Hereditary; Hereditary neoplastic syndrome; Hereditary Cancer Syndrome. Identifiers: Orphanet 140162, MedGen C0027672, MeSH D009386, MONDO:0015356.

Allele frequency attached by ClinVar (database versions not stated): TOPMed 0.00002; gnomAD exomes 0.00001.
gnomAD v4.1: 2 of 1,613,274 alleles (0.00012%); highest among the groups gnomAD compares: Admixed American, 0.0033%; no homozygotes.

Submissions (3):

Ambry Genetics
Classification: Uncertain significance for Hereditary cancer-predisposing syndrome. Last evaluated: 2026-03-27. Review status: criteria provided, single submitter. Criteria: Ambry Variant Classification Scheme 2023. Collection method: clinical testing. Allele origin: germline.
Comment: The c.364A>G (p.T122A) alteration is located in exon 4 (coding exon 4) of the CDC73 gene. This alteration results from a A to G substitution at nucleotide position 364, causing the threonine (T) at amino acid position 122 to be replaced by an alanine (A). Based on data from gnomAD, the G allele has an overall frequency of 0.001% (2/251418) total alleles studied. The highest observed frequency was 0.006% (2/34590) of Latino alleles. Based on insufficient or conflicting evidence, the clinical significance of this alteration remains unclear.

Labcorp Genetics (formerly Invitae), Labcorp
Classification: Uncertain significance for Parathyroid carcinoma. Last evaluated: 2026-01-04. Review status: criteria provided, single submitter. Criteria: Invitae Variant Classification Sherloc (09022015). Collection method: clinical testing. Allele origin: germline.
Comment: This sequence change replaces threonine, which is neutral and polar, with alanine, which is neutral and non-polar, at codon 122 of the CDC73 protein (p.Thr122Ala). This variant is present in population databases (no rsID available, gnomAD 0.006%). This variant has not been reported in the literature in individuals affected with CDC73-related conditions. ClinVar contains an entry for this variant (Variation ID: 848147). Invitae Evidence Modeling of protein sequence and biophysical properties (such as structural, functional, and spatial information, amino acid conservation, physicochemical variation, residue mobility, and thermodynamic stability) indicates that this missense variant is not expected to disrupt CDC73 protein function with a negative predictive value of 80%. In summary, the available evidence is currently insufficient to determine the role of this variant in disease. Therefore, it has been classified as a Variant of Uncertain Significance.

Fulgent Genetics
Classification: Uncertain significance for Hyperparathyroidism 1; Hyperparathyroidism 2 with jaw tumors; Parathyroid carcinoma. Last evaluated: 2024-02-07. Review status: criteria provided, single submitter. Criteria: ACMG Guidelines, 2015. Collection method: clinical testing. Allele origin: germline.